The following is an entry in ClinVar:

NM_025136.4(OPA3):c.*3222C>T

Genes: OPA3 (outer mitochondrial membrane lipid metabolism regulator OPA3; minus strand), OPA3-RTN2 (OPA3-RTN2 readthrough; minus strand). Cytogenetic location: 19q13.32.
Variant type: single nucleotide variant.
Coding change: c.*3222C>T on transcript NM_025136.4 (MANE Select); 3222 bases downstream of the stop codon, C replaced by T.
Molecular consequence: 3 prime UTR variant. On other transcripts: intron variant (1).
Genome position (GRCh38, 1-based): chr19:45,550,292, G>A on the plus strand (C>T on the coding strand, the complement: OPA3 is on the minus strand). VCF-style: chr19-45550292-G-A. GRCh37 (hg19) VCF-style: chr19-46053550-G-A.
Other names: c.143-20836C>T (NM_001017989.3).
Identifiers: ClinVar variation 329628 (VCV000329628.7), dbSNP rs73568980, ClinGen allele CA10643001.

ClinVar aggregate classification (germline): Benign/Likely benign. Review status: criteria provided, multiple submitters, no conflicts (2 of 4 stars). 4 submissions from 3 submitters: Benign (1); Likely benign (3). Last evaluated 2021-08-21.

Conditions:
3-Methylglutaconic aciduria type 3 (MGCA3). Also called: OPA3, AUTOSOMAL RECESSIVE; OPTIC ATROPHY 3, AUTOSOMAL RECESSIVE; Costeff Syndrome; OPA3-Related 3-Methylglutaconic Aciduria. Identifiers: Orphanet 67047, MedGen C0574084, MONDO:0009787, OMIM 258501.
Optic atrophy 3 (OPA3). Also called: OPTIC ATROPHY 3, AUTOSOMAL DOMINANT; Optic atrophy, cataract, and neurologic disorder; Optic atrophy 3 with cataract. Identifiers: Orphanet 67036, MedGen C1833809, MONDO:0008133, OMIM 165300.

Allele frequency attached by ClinVar (database versions not stated): gnomAD exomes 0.00118; 1000 Genomes Project 0.00839; gnomAD 0.00911 and 0.00971; 1000 Genomes Project 30x 0.00953; TOPMed 0.01023.
gnomAD v4.1: 2,429 of 985,498 alleles (0.25%); highest among the groups gnomAD compares: African/African-American, 2.9%; 22 homozygotes.

Submissions (4):

GeneDx
Classification: Likely benign. Last evaluated: 2021-08-21. Review status: criteria provided, single submitter. Criteria: GeneDx Variant Classification Process June 2021. Collection method: clinical testing. Allele origin: germline. Affected: yes.

Blueprint Genetics
Classification: Likely benign. Last evaluated: 2018-06-19. Review status: criteria provided, single submitter. Criteria: ACMG Guidelines, 2015. Collection method: clinical testing. Allele origin: germline.

Illumina Laboratory Services, Illumina
Classification: Benign for Optic atrophy 3. Last evaluated: 2018-01-13. Review status: criteria provided, single submitter. Criteria: ICSL Variant Classification Criteria 13 December 2019. Collection method: clinical testing. Allele origin: germline.
Comment: This variant was observed in the ICSL laboratory as part of a predisposition screen in an ostensibly healthy population. It had not been previously curated by ICSL or reported in the Human Gene Mutation Database (HGMD: prior to June 1st, 2018), and was therefore a candidate for classification through an automated scoring system. Utilizing variant allele frequency, disease prevalence and penetrance estimates, and inheritance mode, an automated score was calculated to assess if this variant is too frequent to cause the disease. Based on the score and internal cut-off values, a variant classified as benign is not then subjected to further curation. The score for this variant resulted in a classification of benign for this disease.

Illumina Laboratory Services, Illumina
Classification: Likely benign for 3-Methylglutaconic aciduria type 3. Last evaluated: 2018-01-13. Review status: criteria provided, single submitter. Criteria: ICSL Variant Classification Criteria 13 December 2019. Collection method: clinical testing. Allele origin: germline.
Comment: This variant was observed in the ICSL laboratory as part of a predisposition screen in an ostensibly healthy population. It had not been previously curated by ICSL or reported in the Human Gene Mutation Database (HGMD: prior to June 1st, 2018), and was therefore a candidate for classification through an automated scoring system. Utilizing variant allele frequency, disease prevalence and penetrance estimates, and inheritance mode, an automated score was calculated to assess if this variant is too frequent to cause the disease. Based on the score and internal cut-off values, a variant classified as likely benign is not then subjected to further curation. The score for this variant resulted in a classification of likely benign for this disease.